The following is an entry in ClinVar:

NM_002417.5(MKI67):c.6598C>T (p.Leu2200Phe)

Gene: MKI67 (marker of proliferation Ki-67; minus strand). Cytogenetic location: 10q26.2.
Variant type: single nucleotide variant.
Coding change: c.6598C>T on transcript NM_002417.5 (MANE Select); coding-DNA position 6598, C replaced by T.
Protein change: p.Leu2200Phe; replaces leucine 2200 with phenylalanine.
Molecular consequence: missense variant.
Genome position (GRCh38, 1-based): chr10:128,105,242, G>A on the plus strand (C>T on the coding strand, the complement: MKI67 is on the minus strand). VCF-style: chr10-128105242-G-A. GRCh37 (hg19) VCF-style: chr10-129903506-G-A.
Other names: c.5518C>T, p.Leu1840Phe (NM_001145966.2); short protein forms L1840F, L2200F.
Identifiers: ClinVar variation 770967 (VCV000770967.8), dbSNP rs141904662, ClinGen allele CA5746362.

ClinVar aggregate classification (germline): Conflicting classifications of pathogenicity. Review status: criteria provided, conflicting classifications (1 of 4 stars). 3 submissions from 3 submitters: Uncertain significance (1); Likely benign (2). Last evaluated 2025-08-01.

Conditions:
MKI67-related disorder. Also called: MKI67-related condition.

Allele frequency attached by ClinVar (database versions not stated): 1000 Genomes Project 30x 0.00047; 1000 Genomes Project 0.00060; ExAC 0.00141; ESP Exome Variant Server 0.00154; gnomAD exomes 0.00156 and 0.00226; gnomAD 0.00160 and 0.00163; TOPMed 0.00171.
gnomAD v4.1: 3,536 of 1,614,148 alleles (0.22%); highest among the groups gnomAD compares: Non-Finnish European, 0.27%; 5 homozygotes.

Submissions (3):

Ambry Genetics
Classification: Uncertain significance. Last evaluated: 2025-08-01. Review status: criteria provided, single submitter. Criteria: Ambry Variant Classification Scheme 2023. Collection method: clinical testing. Allele origin: germline.

PreventionGenetics, part of Exact Sciences
Classification: Likely benign for MKI67-related condition. Last evaluated: 2022-02-17. Review status: criteria provided, single submitter. Criteria: ACMG Guidelines, 2015. Collection method: clinical testing. Allele origin: germline.
Comment: This variant is classified as likely benign based on ACMG/AMP sequence variant interpretation guidelines (Richards et al. 2015 PMID: 25741868, with internal and published modifications).

Labcorp Genetics (formerly Invitae), Labcorp
Classification: Likely benign. Last evaluated: 2018-08-08. Review status: criteria provided, single submitter. Criteria: Invitae Variant Classification Sherloc (09022015). Collection method: clinical testing. Allele origin: germline.